The following is an entry in ClinVar:

ClinVar aggregate classification (germline): Uncertain significance (1 of 4 stars; one submission).

Submission:

Labcorp Genetics (formerly Invitae), Labcorp
Classification: Uncertain significance. Last evaluated: 2023-10-24. Review status: criteria provided, single submitter. Criteria: Invitae Variant Classification Sherloc (09022015). Collection method: clinical testing. Allele origin: germline.
Comment: This sequence change replaces isoleucine, which is neutral and non-polar, with asparagine, which is neutral and polar, at codon 164 of the CASQ1 protein (p.Ile164Asn). This variant is not present in population databases (gnomAD no frequency). This variant has not been reported in the literature in individuals affected with CASQ1-related conditions. Advanced modeling of protein sequence and biophysical properties (such as structural, functional, and spatial information, amino acid conservation, physicochemical variation, residue mobility, and thermodynamic stability) performed at Invitae indicates that this missense variant is expected to disrupt CASQ1 protein function with a positive predictive value of 80%. In summary, the available evidence is currently insufficient to determine the role of this variant in disease. Therefore, it has been classified as a Variant of Uncertain Significance.

NM_001231.5(CASQ1):c.491T>A (p.Ile164Asn)

Gene: CASQ1 (calsequestrin 1; plus strand). Cytogenetic location: 1q23.2.
Variant type: single nucleotide variant.
Coding change: c.491T>A on transcript NM_001231.5 (MANE Select); coding-DNA position 491, T replaced by A.
Protein change: p.Ile164Asn; replaces isoleucine 164 with asparagine.
Molecular consequence: missense variant.
Genome position (GRCh38, 1-based): chr1:160,195,037, T>A. VCF-style: chr1-160195037-T-A. GRCh37 (hg19) VCF-style: chr1-160164827-T-A.
Other names: short protein forms I164N.
Identifiers: ClinVar variation 2853280 (VCV002853280.3), dbSNP rs34415446, ClinGen allele CA343256191.